The following is an entry in ClinVar:

NM_000545.8(HNF1A):c.26A>G (p.Gln9Arg)

Gene: HNF1A (HNF1 homeobox A; plus strand). Cytogenetic location: 12q24.31.
Variant type: single nucleotide variant.
Coding change: c.26A>G on transcript NM_000545.8 (MANE Select); coding-DNA position 26, A replaced by G.
Protein change: p.Gln9Arg; replaces glutamine 9 with arginine.
Molecular consequence: missense variant.
Genome position (GRCh38, 1-based): chr12:120,978,794, A>G. VCF-style: chr12-120978794-A-G. GRCh37 (hg19) VCF-style: chr12-121416597-A-G.
Other names: NM_000545.8(HNF1A):c.26A>G; p.Gln9Arg; c.26A>G (NM_000545.6); c.26A>G, p.Gln9Arg (NM_001306179.2); short protein forms Q9R.
Identifiers: ClinVar variation 994546 (VCV000994546.9), dbSNP rs1876081310, ClinGen allele CA386952308.

ClinVar aggregate classification (germline): Uncertain significance. Review status: reviewed by expert panel (3 of 4 stars). 5 submissions from 5 submitters: Uncertain significance (1). 4 of the submissions do not count toward it. Last evaluated 2025-07-24.

Conditions:
HNF1A-related disorder. Also called: HNF1A-related condition.
Monogenic diabetes. Identifiers: Orphanet 183625, MedGen C3888631, MONDO:0015967.
Maturity-onset diabetes of the young (MODY). Also called: Maturity onset diabetes mellitus in young. Identifiers: Orphanet 552, MedGen C0342276, MONDO:0018911, HP:0004904.

Allele frequency attached by ClinVar (database versions not stated): gnomAD exomes below 0.00001.
gnomAD v4.1: 1 of 1,613,154 alleles (0.000062%); highest among the groups gnomAD compares: Non-Finnish European, 0.000085%; no homozygotes.

Submissions (5):

ClinGen Monogenic Diabetes Variant Curation Expert Panel
Classification: Uncertain significance for Monogenic diabetes. Last evaluated: 2025-07-24. Review status: reviewed by expert panel. Criteria: ClinGen Diabetes ACMG Specifications HNF1A V3.0.0. Collection method: curation. Allele origin: germline. Inheritance: Autosomal dominant inheritance.
Comment: The c.26A>G variant in the HNF1 homeobox A gene, HNF1A, causes an amino acid change of glutamine to arginine at codon 9 (p.(Gln9Arg)) of NM_000545.8. This variant is absent from gnomAD v2.1.1(PM2_Supporting). This variant is located within a dimerization domain (codons 1-32) of HNF1A, which is defined as critical for the protein’s function by the ClinGen MDEP (PM1_Supporting). Additionally, this variant is predicted to be deleterious by computational evidence, with a REVEL score of 0.987, which is greater than the MDEP threshold of 0.70 (PP3). Lastly, this variant was identified in one individual with a clinical history suggestive of HNF1A-MODY (MODY probability calculator result >50%, negative genetic testing for HNF4A, and responsive to low-dose sulfonylurea) (PP4_Moderate; internal lab contributor). In summary, this variant meets the criteria to be classified as a variant of uncertain significance for monogenic diabetes. ACMG/AMP criteria applied, as specified by the ClinGen MDEP (specification version 3.0.0, approved 6/30/2025): PM2_Supporting, PM1_Supporting, PP3, PP4_Moderate.

Women's Health and Genetics/Laboratory Corporation of America, LabCorp
Classification: Uncertain significance. Last evaluated: 2026-01-27. Review status: criteria provided, single submitter. Criteria: LabCorp Variant Classification Summary - May 2015. Collection method: clinical testing. Allele origin: germline. Not counted in ClinVar's aggregate classification.
Comment: Variant summary: HNF1A c.26A>G (p.Gln9Arg) results in a conservative amino acid change in the encoded protein sequence. Algorithms developed to predict the effect of missense changes on protein structure and function are either unavailable or do not agree on the potential impact of this missense change. The variant was absent in 247490 control chromosomes. c.26A>G has been observed in individual(s) affected with Maturity Onset Diabetes Of The Young 3 (Donath_2019). These data do not allow any conclusion about variant significance. A different variant affecting the same codon has been classified as likely pathogenic/pathogenic by our lab (c.26A>C, p.Gln9Pro), supporting the critical relevance of codon 9 to HNF1A protein function. To our knowledge, no experimental evidence demonstrating an impact on protein function has been reported. The following publications have been ascertained in the context of this evaluation (PMID: 31291970, 32041611). ClinVar contains an entry for this variant (Variation ID: 994546). Based on the evidence outlined above, the variant was classified as VUS-possibly pathogenic.

PreventionGenetics, part of Exact Sciences
Classification: Uncertain significance for HNF1A-related condition. Last evaluated: 2022-08-31. Review status: criteria provided, single submitter. Criteria: ACMG Guidelines, 2015. Collection method: clinical testing. Allele origin: germline. Not counted in ClinVar's aggregate classification.
Comment: The HNF1A c.26A>G variant is predicted to result in the amino acid substitution p.Gln9Arg. This variant has been reported in a cohort study of individuals with dyslipidemia (Supp Table 4, Dron et al 2020. PubMed ID: 32041611). This variant has not been reported in a large population database, indicating this variant is rare. An alternative variant at the same amino acid (p.Gln9Pro) has been reported in an individual with MODY (Ellard et al. 2006. PubMed ID: 16917892). Although we suspect this variant may be pathogenic, at this time, the clinical significance of this variant is uncertain due to the absence of conclusive functional and genetic evidence.

Athena Diagnostics
Classification: Uncertain significance. Last evaluated: 2020-12-14. Review status: criteria provided, single submitter. Criteria: Athena Diagnostics criteria. Collection method: clinical testing. Allele origin: unknown. Not counted in ClinVar's aggregate classification.

Clinical Genomics, Uppaluri K&H Personalized Medicine Clinic
Classification: Likely risk allele for Maturity-onset diabetes of the young. Review status: criteria provided, single submitter. Criteria: K & H Uppaluri Personalized Medicine Clinic Variant Classification & Assertion Criteria_Updated V.1. Collection method: research. Allele origin: unknown. Inheritance: Autosomal dominant inheritance. Not counted in ClinVar's aggregate classification.
Comment: Mutations in HNF1A gene can predispose to MODY3. It is associated with both micro and macrovascular complications of diabetes, especially cardiovascular complications. Associated with glucosuria. May respond well to sulfonylureas. However, more evidence is required to confer the association of this particular variant rs1876081310 with MODY3.

Literature cited by the submitters: PubMed 32041611 (cited by Women's Health and Genetics/Laboratory Corporation of America, LabCorp); PubMed 31291970 (cited by Women's Health and Genetics/Laboratory Corporation of America, LabCorp); PubMed 31517624 (cited by Clinical Genomics, Uppaluri K&H Personalized Medicine Clinic); PubMed 32395877 (cited by Clinical Genomics, Uppaluri K&H Personalized Medicine Clinic); PubMed 35328643 (cited by Clinical Genomics, Uppaluri K&H Personalized Medicine Clinic); PubMed 35673428 (cited by Clinical Genomics, Uppaluri K&H Personalized Medicine Clinic).